The following is an entry in ClinVar:

ClinVar aggregate classification (germline): Uncertain significance. Review status: criteria provided, multiple submitters, no conflicts (2 of 4 stars). 6 submissions from 6 submitters: Uncertain significance (6). Last evaluated 2025-12-15.

Conditions:
Hereditary cancer-predisposing syndrome. Also called: Neoplastic Syndromes, Hereditary; Tumor predisposition; Hereditary Cancer Syndrome; Hereditary neoplastic syndrome. Identifiers: Orphanet 140162, MedGen C0027672, MeSH D009386, MONDO:0015356.
Cardiovascular phenotype. Identifiers: MedGen CN230736.
LZTR1-related schwannomatosis. Also called: Schwannomatosis-2, susceptibility to; Schwannomatosis 2. Identifiers: Orphanet 93921, MedGen C3810283, MONDO:0014299, OMIM 615670.
Noonan syndrome 10 (NS10). Identifiers: Orphanet 648, MedGen C4225280, MONDO:0014693, OMIM 616564.
Noonan syndrome 2 (NS2). Identifiers: Orphanet 648, MedGen C1854469, MONDO:0011531, OMIM 605275.
Noonan syndrome and Noonan-related syndrome. Identifiers: Orphanet 98733, MedGen C5681679, MONDO:0020297.

Allele frequency attached by ClinVar (database versions not stated): gnomAD exomes 0.00001 and 0.00002; ExAC 0.00002; TOPMed below 0.00001.
gnomAD v4.1: 18 of 1,613,388 alleles (0.0011%); highest among the groups gnomAD compares: East Asian, 0.016%; no homozygotes.

Submissions (6):

Labcorp Genetics (formerly Invitae), Labcorp
Classification: Uncertain significance. Last evaluated: 2025-12-15. Review status: criteria provided, single submitter. Criteria: Invitae Variant Classification Sherloc (09022015). Collection method: clinical testing. Allele origin: germline.
Comment: This sequence change replaces arginine, which is basic and polar, with cysteine, which is neutral and slightly polar, at codon 725 of the LZTR1 protein (p.Arg725Cys). This variant is present in population databases (rs778626874, gnomAD 0.02%). This missense change has been observed in individual(s) with neurodevelopmental delay (PMID: 28191889). ClinVar contains an entry for this variant (Variation ID: 1034312). Invitae Evidence Modeling of protein sequence and biophysical properties (such as structural, functional, and spatial information, amino acid conservation, physicochemical variation, residue mobility, and thermodynamic stability) indicates that this missense variant is not expected to disrupt LZTR1 protein function with a negative predictive value of 80%. In summary, the available evidence is currently insufficient to determine the role of this variant in disease. Therefore, it has been classified as a Variant of Uncertain Significance.

Fulgent Genetics
Classification: Uncertain significance for Noonan syndrome 2; LZTR1-related schwannomatosis; Noonan syndrome 10. Last evaluated: 2024-05-28. Review status: criteria provided, single submitter. Criteria: ACMG Guidelines, 2015. Collection method: clinical testing. Allele origin: germline.

GeneDx
Classification: Uncertain significance. Last evaluated: 2024-02-27. Review status: criteria provided, single submitter. Criteria: GeneDx Variant Classification Process June 2021. Collection method: clinical testing. Allele origin: germline.
Comment: Not observed at significant frequency in large population cohorts (gnomAD); In silico analysis supports that this missense variant has a deleterious effect on protein structure/function; Identified in individual(s) with autism, intellectual disability, and/or developmental delay (PMID: 28191889); This variant is associated with the following publications: (PMID: 28191889)

Ambry Genetics
Classification: Uncertain significance for Cardiovascular phenotype; Hereditary cancer-predisposing syndrome. Last evaluated: 2023-12-22. Review status: criteria provided, single submitter. Criteria: Ambry Variant Classification Scheme 2023. Collection method: clinical testing. Allele origin: germline.
Comment: The p.R725C variant (also known as c.2173C>T), located in coding exon 18 of the LZTR1 gene, results from a C to T substitution at nucleotide position 2173. The arginine at codon 725 is replaced by cysteine, an amino acid with highly dissimilar properties. This alteration was detected in a cohort of over 11,730 samples from patients with neurodevelopmental disorders (NDDs) from international clinical and research cohorts (Stessman HA et al. Nat Genet, 2017 Apr;49:515-526). This amino acid position is highly conserved in available vertebrate species. In addition, this alteration is predicted to be deleterious by in silico analysis. Since supporting evidence is limited at this time, the clinical significance of this alteration remains unclear.

Genome Diagnostics Laboratory, The Hospital for Sick Children
Classification: Uncertain significance for Noonan syndrome and Noonan-related syndrome. Last evaluated: 2020-10-30. Review status: criteria provided, single submitter. Criteria: ACMG Guidelines, 2015. Collection method: clinical testing. Allele origin: germline.

Baylor Genetics
Classification: Uncertain significance for Noonan syndrome 10. Last evaluated: 2018-05-03. Review status: criteria provided, single submitter. Criteria: ACMG Guidelines, 2015. Collection method: clinical testing. Allele origin: maternal. Affected: yes.
Comment: This variant was determined to be of uncertain significance according to ACMG Guidelines, 2015 [PMID:25741868].

Literature cited by the submitters: PubMed 28191889 (cited by Labcorp Genetics (formerly Invitae), Labcorp).

NM_006767.4(LZTR1):c.2173C>T (p.Arg725Cys)

Gene: LZTR1 (leucine zipper like post translational regulator 1; plus strand). Cytogenetic location: 22q11.21.
Variant type: single nucleotide variant.
Coding change: c.2173C>T on transcript NM_006767.4 (MANE Select); coding-DNA position 2173, C replaced by T.
Protein change: p.Arg725Cys; replaces arginine 725 with cysteine.
Molecular consequence: missense variant.
Genome position (GRCh38, 1-based): chr22:20,996,066, C>T. VCF-style: chr22-20996066-C-T. GRCh37 (hg19) VCF-style: chr22-21350355-C-T.
Other names: short protein forms R725C.
Identifiers: ClinVar variation 1034312 (VCV001034312.12), dbSNP rs778626874, ClinGen allele CA10119265.